The following is an entry in ClinVar:

NM_000719.7(CACNA1C):c.5731G>A (p.Gly1911Arg)

Genes: CACNA1C (calcium voltage-gated channel subunit alpha1 C; plus strand), CACNA1C-AS1 (CACNA1C antisense RNA 1; minus strand). Cytogenetic location: 12p13.33.
Variant type: single nucleotide variant.
Coding change: c.5731G>A on transcript NM_000719.7 (MANE Select); coding-DNA position 5731, G replaced by A.
Protein change: p.Gly1911Arg; replaces glycine 1911 with arginine.
Molecular consequence: missense variant.
Genome position (GRCh38, 1-based): chr12:2,686,216, G>A. VCF-style: chr12-2686216-G-A. GRCh37 (hg19) VCF-style: chr12-2795382-G-A.
Other names: c.5875G>A, p.Gly1959Arg (NM_001129827.2); c.5854G>A, p.Gly1952Arg (NM_001129829.2); c.5836G>A, p.Gly1946Arg (NM_001129830.3, NM_001167624.3); c.5815G>A, p.Gly1939Arg (NM_001129831.2); c.5791G>A, p.Gly1931Arg (NM_001129832.2); c.5788G>A, p.Gly1930Arg (NM_001129833.2, NM_001129834.2, NM_001129835.2); c.5782G>A, p.Gly1928Arg (NM_001129836.2); c.5755G>A, p.Gly1919Arg (NM_001129837.2, NM_001129838.2); and 6 more; short protein forms G1917R, G1931R, G1952R, G1908R, G1928R, G1971R, G1911R, G1930R.
Identifiers: ClinVar variation 842047 (VCV000842047.10), dbSNP rs374528680, ClinGen allele CA383382645.
Genomic context (GRCh38, chr12:2,686,216, plus strand): 5'-GGCTTTGCAGGTCGAAGGGCCTCCTTCCACCTGGAATGTCTGAAGCGACAGAAGGACCGA[G>A]GGGGAGACATCTCTCAGAAGACAGTCCTGCCCTTGCATCTGGTTCATCATCAGGTAGCTC-3'
Protein context (NP_000710.5, residues 1901-1921): LECLKRQKDR[Gly1911Arg]GDISQKTVLP

ClinVar aggregate classification (germline): Uncertain significance. Review status: criteria provided, multiple submitters, no conflicts (2 of 4 stars). 2 submissions from 2 submitters: Uncertain significance (2). Last evaluated 2025-12-16.

Conditions:
Cardiovascular phenotype. Identifiers: MedGen CN230736.
Long QT syndrome (LQTS). Identifiers: MedGen C0023976, MeSH D008133, MONDO:0002442. Disease mechanism: loss of function. Inheritance: Various modes of inheritance.

Allele frequency attached by ClinVar (database versions not stated): TOPMed 0.00001.
gnomAD v4.1: 13 of 1,613,618 alleles (0.00081%); highest among the groups gnomAD compares: Non-Finnish European, 0.001%; no homozygotes.

Submissions (2):

Labcorp Genetics (formerly Invitae), Labcorp
Classification: Uncertain significance for Long QT syndrome. Last evaluated: 2025-12-16. Review status: criteria provided, single submitter. Criteria: Invitae Variant Classification Sherloc (09022015). Collection method: clinical testing. Allele origin: germline.
Comment: This sequence change replaces glycine, which is neutral and non-polar, with arginine, which is basic and polar, at codon 1911 of the CACNA1C protein (p.Gly1911Arg). This variant is present in population databases (no rsID available, gnomAD 0.0009%). This missense change has been observed in individual(s) with long QT syndrome or Brugada syndrome (PMID: 25184293, 26230511). This variant is also known as c.5875G>C, p.Gly1959Arg. ClinVar contains an entry for this variant (Variation ID: 842047). Invitae Evidence Modeling of protein sequence and biophysical properties (such as structural, functional, and spatial information, amino acid conservation, physicochemical variation, residue mobility, and thermodynamic stability) indicates that this missense variant is not expected to disrupt CACNA1C protein function with a negative predictive value of 95%. Experimental studies have shown that this missense change affects CACNA1C function (PMID: 25184293, 27502440). In summary, the available evidence is currently insufficient to determine the role of this variant in disease. Therefore, it has been classified as a Variant of Uncertain Significance.

Ambry Genetics
Classification: Uncertain significance for Cardiovascular phenotype. Last evaluated: 2021-11-27. Review status: criteria provided, single submitter. Criteria: Ambry Variant Classification Scheme 2023. Collection method: clinical testing. Allele origin: germline.
Comment: The p.G1911R variant (also known as c.5731G>A), located in coding exon 45 of the CACNA1C gene, results from a G to A substitution at nucleotide position 5731. The glycine at codon 1911 is replaced by arginine, an amino acid with dissimilar properties. This alteration, which is also referenced as c.5875G>C (p.Gly1959Arg), has been reported in an individual suspected to have Timothy syndrome, as well as in a Brugada syndrome cohort and as a secondary cardiac variant in an exome cohort (Ng D et al. Circ Cardiovasc Genet, 2013 Aug;6:337-46; Hennessey JA et al. PLoS One, 2014 Sep;9:e106982; Allegue C et al. PLoS One, 2015 Jul;10:e0133037). Additionally, in vitro studies showed that this alteration may affect protein function (Hennessey JA et al. PLoS One, 2014 Sep;9:e106982; Bai J et al. Sci Rep, 2016 08;6:31262). This amino acid position is well conserved in available vertebrate species. In addition, this alteration is predicted to be tolerated by in silico analysis. Since supporting evidence is limited at this time, the clinical significance of this alteration remains unclear.

Literature cited by the submitters: PubMed 25184293 (cited by Labcorp Genetics (formerly Invitae), Labcorp and Ambry Genetics); PubMed 26230511 (cited by Labcorp Genetics (formerly Invitae), Labcorp and Ambry Genetics); PubMed 27502440 (cited by Labcorp Genetics (formerly Invitae), Labcorp and Ambry Genetics); PubMed 23861362 (cited by Ambry Genetics).